The following is an entry in ClinVar:

ClinVar aggregate classification (germline): Uncertain significance (1 of 4 stars; one submission).

Conditions:
Dyskeratosis congenita. Identifiers: Orphanet 1775, MedGen C0265965, MONDO:0015780.

Submission:

Ambry Genetics
Classification: Uncertain significance for Dyskeratosis congenita. Last evaluated: 2023-03-19. Review status: criteria provided, single submitter. Criteria: Ambry Variant Classification Scheme 2023. Collection method: clinical testing. Allele origin: germline.
Comment: The p.P246R variant (also known as c.737C>G), located in coding exon 2 of the TERT gene, results from a C to G substitution at nucleotide position 737. The proline at codon 246 is replaced by arginine, an amino acid with dissimilar properties. This amino acid position is conserved. In addition, this alteration is predicted to be tolerated by in silico analysis. Since supporting evidence is limited at this time, the clinical significance of this alteration remains unclear.

NM_198253.3(TERT):c.737C>G (p.Pro246Arg)

Gene: TERT (telomerase reverse transcriptase; minus strand). Cytogenetic location: 5p15.33.
Variant type: single nucleotide variant.
Coding change: c.737C>G on transcript NM_198253.3 (MANE Select); coding-DNA position 737, C replaced by G.
Protein change: p.Pro246Arg; replaces proline 246 with arginine.
Molecular consequence: missense variant. On other transcripts: non-coding transcript variant (2).
Genome position (GRCh38, 1-based): chr5:1,294,149, G>C on the plus strand (C>G on the coding strand, the complement: TERT is on the minus strand). VCF-style: chr5-1294149-G-C. GRCh37 (hg19) VCF-style: chr5-1294264-G-C.
Other names: c.737C>G, p.Pro246Arg (NM_001193376.3, NM_003219.1); short protein forms P246R.
Identifiers: ClinVar variation 3238483 (VCV003238483.1), dbSNP rs377315722.